The following is an entry in ClinVar:

NM_021954.4(GJA3):c.96C>A (p.Phe32Leu)

Gene: GJA3 (gap junction protein alpha 3; minus strand). Cytogenetic location: 13q12.11.
Variant type: single nucleotide variant.
Coding change: c.96C>A on transcript NM_021954.4 (MANE Select); coding-DNA position 96, C replaced by A.
Protein change: p.Phe32Leu; replaces phenylalanine 32 with leucine.
Molecular consequence: missense variant.
Genome position (GRCh38, 1-based): chr13:20,143,193, G>T on the plus strand (C>A on the coding strand, the complement: GJA3 is on the minus strand). VCF-style: chr13-20143193-G-T. GRCh37 (hg19) VCF-style: chr13-20717332-G-T.
Other names: short protein forms F32L.
Identifiers: ClinVar variation 3253669 (VCV003253669.1), dbSNP rs780442672.

ClinVar aggregate classification (germline): Likely pathogenic (1 of 4 stars; one submission).

Conditions:
Cataract 14 multiple types. Also called: CATARACT 14, ZONULAR PULVERULENT; CATARACT 14, NUCLEAR PULVERULENT; CATARACT 14, NUCLEAR PULVERULENT AND POSTERIOR POLAR; CATARACT 14, NUCLEAR CORALLIFORM; CATARACT 14, EMBRYONAL NUCLEAR; CATARACT 14, COPPOCK-LIKE. Identifiers: Orphanet 91492, MedGen C1866078, MONDO:0011162, OMIM 601885.

Submission:

Dept. Genetics and Cancer, Menzies Institute for Medical Research, University of Tasmania
Classification: Likely pathogenic for Cataract 14 multiple types. Last evaluated: 2023-01-21. Review status: criteria provided, single submitter. Criteria: ACMG Guidelines, 2015. Collection method: curation. Allele origin: germline. Affected: yes.
Comment: Variant identified and curated during a GJA3 specific review of the literature in relation to pediatric or congenital cataract. ACMG-AMP criteria applied: PP1(Strong), PM1, PM2(Supporting), PP3. Original variant report: PMID:14627959. The cataract phenotype reported for this variant is: Pulverulent nuclear. Gene review and curation guidelines are outlined in: DOI 10.1080/17469899.2023.2160320

Literature cited by the submitters: PubMed 14627959.